The following is an entry in ClinVar:

NM_001382567.1(STIM1):c.1601T>C (p.Leu534Pro)

Gene: STIM1 (stromal interaction molecule 1; plus strand). Cytogenetic location: 11p15.4.
Variant type: single nucleotide variant.
Coding change: c.1601T>C on transcript NM_001382567.1 (MANE Select); coding-DNA position 1601, T replaced by C.
Protein change: p.Leu534Pro; replaces leucine 534 with proline.
Molecular consequence: missense variant. On other transcripts: non-coding transcript variant (3).
Genome position (GRCh38, 1-based): chr11:4,086,510, T>C. VCF-style: chr11-4086510-T-C. GRCh37 (hg19) VCF-style: chr11-4107740-T-C.
Other names: c.1508T>C, p.Leu503Pro (NM_001277961.3, NM_001277962.2, NM_003156.4); c.1286T>C, p.Leu429Pro (NM_001382566.1, NM_001382575.1, NM_001382576.1 and 3 more transcripts); c.1529T>C, p.Leu510Pro (NM_001382568.1); c.1373T>C, p.Leu458Pro (NM_001382569.1); c.1280T>C, p.Leu427Pro (NM_001382570.1); c.1028T>C, p.Leu343Pro (NM_001382571.1); c.1019T>C, p.Leu340Pro (NM_001382580.1, NM_001382581.1); short protein forms L503P, L340P, L343P, L427P, L429P, L458P, L510P, L534P.
Identifiers: ClinVar variation 579683 (VCV000579683.10), dbSNP rs1565172165, ClinGen allele CA379195250.

ClinVar aggregate classification (germline): Uncertain significance (1 of 4 stars; one submission).

Conditions:
Combined immunodeficiency due to STIM1 deficiency. Also called: STIM1 DEFICIENCY; IMMUNODEFICIENCY 10. Identifiers: Orphanet 169090, Orphanet 317430, MedGen C2748557, MONDO:0013008, OMIM 612783.
Stormorken syndrome (STRMK). Also called: THROMBOCYTOPATHY, ASPLENIA, AND MIOSIS. Identifiers: Orphanet 3204, MedGen C1861451, MONDO:0008497, OMIM 185070.
Myopathy with tubular aggregates (TAM). Also called: Tubular Aggregate Myopathy. Identifiers: Orphanet 2593, MedGen C0410207, MONDO:0008051.

Allele frequency attached by ClinVar (database versions not stated): gnomAD exomes 0.00001.
gnomAD v4.1: 3 of 1,614,182 alleles (0.00019%); highest among the groups gnomAD compares: Non-Finnish European, 0.00025%; no homozygotes.

Submission:

Labcorp Genetics (formerly Invitae), Labcorp
Classification: Uncertain significance for Myopathy with tubular aggregates; Combined immunodeficiency due to STIM1 deficiency; Stormorken syndrome. Last evaluated: 2024-09-11. Review status: criteria provided, single submitter. Criteria: Invitae Variant Classification Sherloc (09022015). Collection method: clinical testing. Allele origin: germline.
Comment: This sequence change replaces leucine, which is neutral and non-polar, with proline, which is neutral and non-polar, at codon 503 of the STIM1 protein (p.Leu503Pro). This variant is not present in population databases (gnomAD no frequency). This variant has not been reported in the literature in individuals affected with STIM1-related conditions. ClinVar contains an entry for this variant (Variation ID: 579683). Invitae Evidence Modeling of protein sequence and biophysical properties (such as structural, functional, and spatial information, amino acid conservation, physicochemical variation, residue mobility, and thermodynamic stability) has been performed for this missense variant. However, the output from this modeling did not meet the statistical confidence thresholds required to predict the impact of this variant on STIM1 protein function. In summary, the available evidence is currently insufficient to determine the role of this variant in disease. Therefore, it has been classified as a Variant of Uncertain Significance.